The following is an entry in ClinVar:

ClinVar aggregate classification (germline): Benign (1 of 4 stars; one submission).

Allele frequency attached by ClinVar (database versions not stated): 1000 Genomes Project 30x 0.07011; 1000 Genomes Project 0.07089; TOPMed 0.07568; gnomAD 0.08732 and 0.08798; gnomAD exomes 0.11303.
gnomAD v4.1: 94,799 of 874,628 alleles (11%); highest among the groups gnomAD compares: East Asian, 11%; 5,733 homozygotes.

Submission:

GeneDx
Classification: Benign. Last evaluated: 2018-06-14. Review status: criteria provided, single submitter. Criteria: GeneDx Variant Classification (06012015). Collection method: clinical testing. Allele origin: germline. Affected: yes.
Comment: This variant is considered likely benign or benign based on one or more of the following criteria: it is a conservative change, it occurs at a poorly conserved position in the protein, it is predicted to be benign by multiple in silico algorithms, and/or has population frequency not consistent with disease.

NM_001377.3(DYNC2H1):c.2574+113T>C

Gene: DYNC2H1 (dynein cytoplasmic 2 heavy chain 1; plus strand). Cytogenetic location: 11q22.3.
Variant type: single nucleotide variant.
Coding change: c.2574+113T>C on transcript NM_001377.3 (MANE Select); 113 bases into the intron after coding-DNA position 2574, T replaced by C.
Molecular consequence: intron variant.
Genome position (GRCh38, 1-based): chr11:103,136,061, T>C. VCF-style: chr11-103136061-T-C. GRCh37 (hg19) VCF-style: chr11-103006790-T-C.
Other names: c.2574+113T>C (NM_001080463.2).
Identifiers: ClinVar variation 675072 (VCV000675072.1), dbSNP rs17373638, ClinGen allele CA13523519.
Genomic context (GRCh38, chr11:103,136,061, plus strand): 5'-TTGAATTTACATTAAATGTATACATTAATAGTTTACCTTGTGTGGCATAACATTAAAATA[T>C]GGCAAAGCAGAGAGCTGGATTCGTAGATACTTATACAACCTAGATTTATACTTCAGAAGA-3'